The following is an entry in ClinVar:

ClinVar aggregate classification (germline): Uncertain significance (1 of 4 stars; one submission).

Allele frequency attached by ClinVar (database versions not stated): gnomAD 0.00001; ExAC 0.00002; gnomAD exomes 0.00002 and 0.00003; TOPMed 0.00002; 1000 Genomes Project 30x 0.00016; 1000 Genomes Project 0.00020.
gnomAD v4.1: 27 of 1,613,064 alleles (0.0017%); highest among the groups gnomAD compares: Middle Eastern, 0.017%; no homozygotes.

Submission:

Labcorp Genetics (formerly Invitae), Labcorp
Classification: Uncertain significance. Last evaluated: 2022-03-19. Review status: criteria provided, single submitter. Criteria: Invitae Variant Classification Sherloc (09022015). Collection method: clinical testing. Allele origin: germline.
Comment: This sequence change replaces alanine, which is neutral and non-polar, with valine, which is neutral and non-polar, at codon 597 of the TRAF3IP1 protein (p.Ala597Val). This variant is present in population databases (rs548165864, gnomAD 0.01%). This variant has not been reported in the literature in individuals affected with TRAF3IP1-related conditions. ClinVar contains an entry for this variant (Variation ID: 1063326). Algorithms developed to predict the effect of missense changes on protein structure and function are either unavailable or do not agree on the potential impact of this missense change (SIFT: "Tolerated"; PolyPhen-2: "Possibly Damaging"; Align-GVGD: "Class C0"). Algorithms developed to predict the effect of sequence changes on RNA splicing suggest that this variant may create or strengthen a splice site. In summary, the available evidence is currently insufficient to determine the role of this variant in disease. Therefore, it has been classified as a Variant of Uncertain Significance.

NM_015650.4(TRAF3IP1):c.1790C>T (p.Ala597Val)

Gene: TRAF3IP1 (TRAF3 interacting protein 1; plus strand). Cytogenetic location: 2q37.3.
Variant type: single nucleotide variant.
Coding change: c.1790C>T on transcript NM_015650.4 (MANE Select); coding-DNA position 1790, C replaced by T.
Protein change: p.Ala597Val; replaces alanine 597 with valine.
Molecular consequence: missense variant.
Genome position (GRCh38, 1-based): chr2:238,397,559, C>T. VCF-style: chr2-238397559-C-T. GRCh37 (hg19) VCF-style: chr2-239306200-C-T.
Other names: c.1592C>T, p.Ala531Val (NM_001139490.1); short protein forms A531V, A597V.
Identifiers: ClinVar variation 1063326 (VCV001063326.6), dbSNP rs548165864, ClinGen allele CA2198580.